The following is an entry in ClinVar:

ClinVar aggregate classification (germline): Likely benign (1 of 4 stars; one submission).

Allele frequency attached by ClinVar (database versions not stated): 1000 Genomes Project 0.00140; 1000 Genomes Project 30x 0.00156; TOPMed 0.00314; gnomAD 0.00328.
gnomAD v4.1: 467 of 152,298 alleles (0.31%); highest among the groups gnomAD compares: African/African-American, 1.1%; 6 homozygotes.

Submission:

GeneDx
Classification: Likely benign. Last evaluated: 2018-06-14. Review status: criteria provided, single submitter. Criteria: GeneDx Variant Classification (06012015). Collection method: clinical testing. Allele origin: germline. Affected: yes.
Comment: This variant is considered likely benign or benign based on one or more of the following criteria: it is a conservative change, it occurs at a poorly conserved position in the protein, it is predicted to be benign by multiple in silico algorithms, and/or has population frequency not consistent with disease.

NM_000093.5(COL5A1):c.4554+247C>G

Genes: COL5A1 (collagen type V alpha 1 chain; plus strand), LOC101448202 (uncharacterized LOC101448202; minus strand). Cytogenetic location: 9q34.3.
Variant type: single nucleotide variant.
Coding change: c.4554+247C>G on transcript NM_000093.5 (MANE Select); 247 bases into the intron after coding-DNA position 4554, C replaced by G.
Molecular consequence: intron variant.
Genome position (GRCh38, 1-based): chr9:134,820,470, C>G. VCF-style: chr9-134820470-C-G. GRCh37 (hg19) VCF-style: chr9-137712316-C-G.
Other names: c.4554+247C>G (NM_001278074.1).
Identifiers: ClinVar variation 668812 (VCV000668812.1), dbSNP rs535186026, ClinGen allele CA201097759.